The following is an entry in ClinVar:

ClinVar aggregate classification (germline): Pathogenic (1 of 4 stars; one submission).

Submissions (2):

GeneDx
Classification: Pathogenic. Last evaluated: 2015-05-18. Review status: criteria provided, single submitter. Criteria: GeneDx Variant Classification (06012015). Collection method: clinical testing. Allele origin: germline. Affected: yes.
Comment: The c.6688-1G>T variant in the DNAH5 gene has not been reported previously as a pathogenic variant nor as a benign polymorphism, to our knowledge. This splice site variant destroys the canonicalsplice acceptor site in intron 40. It is predicted to cause abnormal gene splicing, either leading to anabnormal message that is subject to nonsense-mediated mRNA decay, or to an abnormal protein product ifthe message is used for protein translation. The c.6688-1G>T variant was not observed in approximately 6,500 individuals of European and African American ancestry in the NHLBI Exome Sequencing Project,indicating it is not a common benign variant in these populations. We interpret c.6688-1G>T as a pathogenic variant.

Dr. Peter K. Rogan Lab, Western University
No classification provided (evidence only). Condition: Lung cancer. Review status: no classification provided. Collection method: in vitro. Allele origin: not applicable. Functional consequence: skipped exon, retained intron. Not counted in ClinVar's aggregate classification.

NM_001369.3(DNAH5):c.6688-1G>T

Gene: DNAH5 (dynein axonemal heavy chain 5; minus strand). Cytogenetic location: 5p15.2.
Variant type: single nucleotide variant.
Coding change: c.6688-1G>T on transcript NM_001369.3 (MANE Select); the canonical splice acceptor site of the intron before coding-DNA position 6688, G replaced by T.
Molecular consequence: splice acceptor variant.
Genome position (GRCh38, 1-based): chr5:13,820,500, C>A on the plus strand (G>T on the coding strand, the complement: DNAH5 is on the minus strand). VCF-style: chr5-13820500-C-A. GRCh37 (hg19) VCF-style: chr5-13820609-C-A.
Other names: NC_000005.9:g.13820609C>A.
Identifiers: ClinVar variation 379701 (VCV000379701.3), dbSNP rs1057520697, ClinGen allele CA16605282.